The following is an entry in ClinVar:

NM_004974.4(KCNA2):c.859G>T (p.Ala287Ser)

Gene: KCNA2 (potassium voltage-gated channel subfamily A member 2; minus strand). Cytogenetic location: 1p13.3.
Variant type: single nucleotide variant.
Coding change: c.859G>T on transcript NM_004974.4 (MANE Select); coding-DNA position 859, G replaced by T.
Protein change: p.Ala287Ser; replaces alanine 287 with serine.
Molecular consequence: missense variant.
Genome position (GRCh38, 1-based): chr1:110,603,924, C>A on the plus strand (G>T on the coding strand, the complement: KCNA2 is on the minus strand). VCF-style: chr1-110603924-C-A. GRCh37 (hg19) VCF-style: chr1-111146546-C-A.
Other names: c.859G>T, p.Ala287Ser (NM_001204269.2); short protein forms A287S.
Identifiers: ClinVar variation 3600740 (VCV003600740.1).
Genomic context (GRCh38, chr1:110,603,924, plus strand): 5'-ACTTGAAAATCCTAAAGACTCTTACCAACCGGATGACACGGAGGATGGCCAGTGACATGG[C>A]CTGCTGGCCTTGCTGAGCGTCCTCTGGCTTCTCAGCCAACTCTGTCCCCAGGGTGATGAA-3'
Protein context (NP_004965.1, residues 277-297): KPEDAQQGQQ[Ala287Ser]MSLAILRVIR

ClinVar aggregate classification (germline): Uncertain significance (1 of 4 stars; one submission).

Submission:

GeneDx
Classification: Uncertain significance. Last evaluated: 2024-07-18. Review status: criteria provided, single submitter. Criteria: GeneDx Variant Classification Process June 2021. Collection method: clinical testing. Allele origin: germline. Affected: yes.
Comment: Not observed at significant frequency in large population cohorts (gnomAD); In silico analysis supports that this missense variant has a deleterious effect on protein structure/function; Has not been previously published as pathogenic or benign to our knowledge